The following is an entry in ClinVar:

ClinVar aggregate classification (germline): Uncertain significance (1 of 4 stars; one submission).

Submission:

GeneDx
Classification: Uncertain significance. Last evaluated: 2024-12-05. Review status: criteria provided, single submitter. Criteria: GeneDx Variant Classification Process June 2021. Collection method: clinical testing. Allele origin: germline. Affected: yes.
Comment: Has not been previously published as pathogenic or benign to our knowledge; In silico analysis does not support a benign or deleterious effect of this variant on protein structure/function

NM_001372044.2(SHANK3):c.1351G>A (p.Asp451Asn)

Gene: SHANK3 (SH3 and multiple ankyrin repeat domains 3; plus strand). Cytogenetic location: 22q13.33.
Variant type: single nucleotide variant.
Coding change: c.1351G>A on transcript NM_001372044.2 (MANE Select); coding-DNA position 1351, G replaced by A.
Protein change: p.Asp451Asn; replaces aspartic acid 451 with asparagine.
Molecular consequence: missense variant.
Genome position (GRCh38, 1-based): chr22:50,694,870, G>A. VCF-style: chr22-50694870-G-A. GRCh37 (hg19) VCF-style: chr22-51133298-G-A.
Other names: c.1126G>A (NM_033517.1); short protein forms D451N.
Identifiers: ClinVar variation 3901767 (VCV003901767.1).